The following is an entry in ClinVar:

NM_000254.3(MTR):c.3514C>T (p.Arg1172Cys)

Gene: MTR (5-methyltetrahydrofolate-homocysteine methyltransferase; plus strand). Cytogenetic location: 1q43.
Variant type: single nucleotide variant.
Coding change: c.3514C>T on transcript NM_000254.3 (MANE Select); coding-DNA position 3514, C replaced by T.
Protein change: p.Arg1172Cys; replaces arginine 1172 with cysteine.
Molecular consequence: missense variant.
Genome position (GRCh38, 1-based): chr1:236,895,466, C>T. VCF-style: chr1-236895466-C-T. GRCh37 (hg19) VCF-style: chr1-237058766-C-T.
Other names: c.3361C>T, p.Arg1121Cys (NM_001291939.1); c.2293C>T, p.Arg765Cys (NM_001291940.2); short protein forms R1172C, R1121C, R765C.
Identifiers: ClinVar variation 652449 (VCV000652449.8), dbSNP rs756440911, ClinGen allele CA1474721.

ClinVar aggregate classification (germline): Uncertain significance (1 of 4 stars; one submission).

Conditions:
Methylcobalamin deficiency type cblG (HMAG). Also called: HOMOCYSTINURIA-MEGALOBLASTIC ANEMIA, cblG COMPLEMENTATION TYPE; HOMOCYSTINURIA-MEGALOBLASTIC ANEMIA, cblG TYPE; Functional methionine synthase deficiency type cblG; HOMOCYSTINURIA-MEGALOBLASTIC ANEMIA DUE TO DEFECT IN COBALAMIN METABOLISM, cblG COMPLEMENTATION TYPE. Identifiers: Orphanet 2170, Orphanet 622, MedGen C1855128, MONDO:0009609, OMIM 250940.

Allele frequency attached by ClinVar (database versions not stated): gnomAD exomes below 0.00001; ExAC 0.00002.

Submission:

Labcorp Genetics (formerly Invitae), Labcorp
Classification: Uncertain significance for Methylcobalamin deficiency type cblG. Last evaluated: 2022-06-20. Review status: criteria provided, single submitter. Criteria: Invitae Variant Classification Sherloc (09022015). Collection method: clinical testing. Allele origin: germline.
Comment: In summary, the available evidence is currently insufficient to determine the role of this variant in disease. Therefore, it has been classified as a Variant of Uncertain Significance. Algorithms developed to predict the effect of missense changes on protein structure and function (SIFT, PolyPhen-2, Align-GVGD) all suggest that this variant is likely to be disruptive. ClinVar contains an entry for this variant (Variation ID: 652449). This variant has not been reported in the literature in individuals affected with MTR-related conditions. The frequency data for this variant in the population databases is considered unreliable, as metrics indicate poor data quality at this position in the gnomAD database. This sequence change replaces arginine, which is basic and polar, with cysteine, which is neutral and slightly polar, at codon 1172 of the MTR protein (p.Arg1172Cys).